The following is an entry in ClinVar:

ClinVar aggregate classification (germline): Uncertain significance. Review status: criteria provided, multiple submitters, no conflicts (2 of 4 stars). 2 submissions from 2 submitters: Uncertain significance (2). Last evaluated 2025-04-22.

Conditions:
Hyperthyroxinemia, familial dysalbuminemic (FDAH). Also called: EUTHYROID HYPERTHYROXINEMIA 1. Identifiers: MedGen C0342185, MONDO:0014448, OMIM 615999.

Allele frequency attached by ClinVar (database versions not stated): gnomAD 0.00002; TOPMed 0.00002.
gnomAD v4.1: 56 of 1,614,024 alleles (0.0035%); highest among the groups gnomAD compares: East Asian, 0.016%; no homozygotes.

Submissions (2):

Labcorp Genetics (formerly Invitae), Labcorp
Classification: Uncertain significance. Last evaluated: 2025-04-22. Review status: criteria provided, single submitter. Criteria: Invitae Variant Classification Sherloc (09022015). Collection method: clinical testing. Allele origin: germline.
Comment: This sequence change replaces threonine, which is neutral and polar, with methionine, which is neutral and non-polar, at codon 491 of the ALB protein (p.Thr491Met). This variant is present in population databases (rs776185501, gnomAD 0.03%). This variant has not been reported in the literature in individuals affected with ALB-related conditions. ClinVar contains an entry for this variant (Variation ID: 349634). Invitae Evidence Modeling of protein sequence and biophysical properties (such as structural, functional, and spatial information, amino acid conservation, physicochemical variation, residue mobility, and thermodynamic stability) indicates that this missense variant is expected to disrupt ALB protein function with a positive predictive value of 80%. In summary, the available evidence is currently insufficient to determine the role of this variant in disease. Therefore, it has been classified as a Variant of Uncertain Significance.

Illumina Laboratory Services, Illumina
Classification: Uncertain significance for Hyperthyroxinemia, familial dysalbuminemic. Last evaluated: 2018-01-13. Review status: criteria provided, single submitter. Criteria: ICSL Variant Classification Criteria 13 December 2019. Collection method: clinical testing. Allele origin: germline.

NM_000477.7(ALB):c.1472C>T (p.Thr491Met)

Gene: ALB (albumin; plus strand). Cytogenetic location: 4q13.3.
Variant type: single nucleotide variant.
Coding change: c.1472C>T on transcript NM_000477.7 (MANE Select); coding-DNA position 1472, C replaced by T.
Protein change: p.Thr491Met; replaces threonine 491 with methionine.
Molecular consequence: missense variant.
Genome position (GRCh38, 1-based): chr4:73,418,131, C>T. VCF-style: chr4-73418131-C-T. GRCh37 (hg19) VCF-style: chr4-74283848-C-T.
Other names: short protein forms T491M.
Identifiers: ClinVar variation 349634 (VCV000349634.6), dbSNP rs776185501, ClinGen allele CA2959674.